The following is an entry in ClinVar:

NM_004656.4(BAP1):c.877_878del (p.Pro293fs)

Gene: BAP1 (BRCA1 associated deubiquitinase 1; minus strand). Cytogenetic location: 3p21.1.
Variant type: Deletion.
Coding change: c.877_878del on transcript NM_004656.4 (MANE Select); coding-DNA positions 877 to 878, 2 bases deleted (CC; older notation c.877_878delCC).
Protein change: p.Pro293fs; shifts the reading frame from proline 293.
Molecular consequence: frameshift variant.
Genome position (GRCh38, 1-based): chr3:52,405,818-52,405,819, GG deleted on the plus strand (CC on the coding strand, the reverse complement: BAP1 is on the minus strand); deleting any 2 consecutive bases within chr3:52,405,818-52,405,821 gives the same sequence; the c. name uses the placement nearest the transcript's 3' end. VCF-style (leftmost placement, unchanged base first): chr3-52405817-CGG-C. GRCh37 (hg19) VCF-style: chr3-52439833-CGG-C.
Other names: c.877_878delCC (NM_004656.2); c.821_822delCC, p.Pro275Alafs (NM_001410772.1); short protein forms P293fs.
Identifiers: ClinVar variation 2022704 (VCV002022704.5), dbSNP rs2471340602, ClinGen allele CA2580070288.
Genomic context (GRCh38, chr3:52,405,817, plus strand): 5'-CCCAGTACCTGTGTGGTTGCCCTCAGAGGCTGCAGGGGCCCTGTTTGCTTCCAGCACCAG[CGG>C]GGACTTGTTGCTGGCTGACTTGGACTCCTCAGGCAGCTGTGACTCTTGAGACTTGTGGGT-3'

ClinVar aggregate classification (germline): Pathogenic. Review status: criteria provided, multiple submitters, no conflicts (2 of 4 stars). 2 submissions from 2 submitters: Pathogenic (2). Last evaluated 2026-08-14.

Conditions:
BAP1-related tumor predisposition syndrome (TPDS1). Also called: Tumor susceptibility linked to germline BAP1 mutations; COMMON Syndrome; TUMOR PREDISPOSITION SYNDROME 1; BAP1 tumor predisposition syndrome. Identifiers: Orphanet 289539, MedGen C3280492, MONDO:0013692, OMIM 614327.
Hereditary cancer-predisposing syndrome. Also called: Hereditary neoplastic syndrome; Neoplastic Syndromes, Hereditary; Tumor predisposition; Hereditary Cancer Syndrome. Identifiers: Orphanet 140162, MedGen C0027672, MeSH D009386, MONDO:0015356.

Submissions (2):

Ambry Genetics
Classification: Pathogenic for Hereditary cancer-predisposing syndrome. Last evaluated: 2026-08-14. Review status: criteria provided, single submitter. Criteria: Ambry Variant Classification Scheme 2023. Collection method: clinical testing. Allele origin: germline.
Comment: The c.877_878delCC pathogenic mutation, located in coding exon 10 of the BAP1 gene, results from a deletion of two nucleotides at nucleotide positions 877 to 878, causing a translational frameshift with a predicted alternate stop codon (p.P293Afs*13). This variant was reported in individual(s) with features consistent with BAP1-related tumor predisposition syndrome in at least one individual (Ambry internal data). This variant is considered to be rare based on population cohorts in the Genome Aggregation Database (gnomAD). This variant is expected to result in loss of function by premature protein truncation or nonsense-mediated mRNA decay. As such, this variant is interpreted as a disease-causing mutation.

Labcorp Genetics (formerly Invitae), Labcorp
Classification: Pathogenic for BAP1-related tumor predisposition syndrome. Last evaluated: 2024-10-17. Review status: criteria provided, single submitter. Criteria: Invitae Variant Classification Sherloc (09022015). Collection method: clinical testing. Allele origin: germline.
Comment: This sequence change creates a premature translational stop signal (p.Pro293Alafs*13) in the BAP1 gene. It is expected to result in an absent or disrupted protein product. Loss-of-function variants in BAP1 are known to be pathogenic (PMID: 21874000, 23684012). This variant is not present in population databases (gnomAD no frequency). This variant has not been reported in the literature in individuals affected with BAP1-related conditions. ClinVar contains an entry for this variant (Variation ID: 2022704). Algorithms developed to predict the effect of sequence changes on RNA splicing suggest that this variant may disrupt the consensus splice site. For these reasons, this variant has been classified as Pathogenic.

Literature cited by the submitters: PubMed 21874000 (cited by Labcorp Genetics (formerly Invitae), Labcorp); PubMed 23684012 (cited by Labcorp Genetics (formerly Invitae), Labcorp).